The following is an entry in ClinVar:

NM_032043.3(BRIP1):c.51T>C (p.Phe17=)

Gene: BRIP1 (BRCA1 interacting DNA helicase 1; minus strand). Cytogenetic location: 17q23.2.
Variant type: single nucleotide variant.
Coding change: c.51T>C on transcript NM_032043.3 (MANE Select); coding-DNA position 51, T replaced by C.
Protein change: p.Phe17=; no amino-acid change (phenylalanine 17 retained).
Molecular consequence: synonymous variant.
Genome position (GRCh38, 1-based): chr17:61,861,489, A>G on the plus strand (T>C on the coding strand, the complement: BRIP1 is on the minus strand). VCF-style: chr17-61861489-A-G. GRCh37 (hg19) VCF-style: chr17-59938850-A-G.
Other names: c.51T>C (NM_032043.2).
Identifiers: ClinVar variation 1149072 (VCV001149072.12), dbSNP rs762827371, ClinGen allele CA8691015.

ClinVar aggregate classification (germline): Benign/Likely benign. Review status: criteria provided, multiple submitters, no conflicts (2 of 4 stars). 3 submissions from 3 submitters: Benign (1); Likely benign (2). Last evaluated 2024-08-09.

Conditions:
Familial cancer of breast. Also called: BREAST CANCER, FAMILIAL; Hereditary breast cancer; hereditary breast carcinoma. Identifiers: Orphanet 227535, MedGen C0346153, MONDO:0016419, OMIM 114480. Disease mechanism: loss of function.
Fanconi anemia complementation group J. Also called: BRIP1-Related Fanconi Anemia. Identifiers: Orphanet 84, MedGen C1836860, MONDO:0012187, OMIM 609054.
Hereditary cancer-predisposing syndrome. Also called: Hereditary Cancer Syndrome; Hereditary neoplastic syndrome; Neoplastic Syndromes, Hereditary; Tumor predisposition. Identifiers: Orphanet 140162, MedGen C0027672, MeSH D009386, MONDO:0015356.

Allele frequency attached by ClinVar (database versions not stated): gnomAD exomes below 0.00001 and 0.00001; TOPMed below 0.00001; ExAC 0.00001.
gnomAD v4.1: 1 of 1,613,590 alleles (0.000062%); highest among the groups gnomAD compares: African/African-American, 0.0013%; no homozygotes.

Submissions (3):

Myriad Genetics, Inc.
Classification: Benign for Familial cancer of breast. Last evaluated: 2024-08-09. Review status: criteria provided, single submitter. Criteria: Myriad Autosomal Dominant, Autosomal Recessive and X-Linked Classification Criteria (2023). Collection method: clinical testing. Allele origin: unknown.
Comment: This variant is considered benign. This variant is a silent/synonymous amino acid change and it is not expected to impact splicing.

Labcorp Genetics (formerly Invitae), Labcorp
Classification: Likely benign for Familial cancer of breast; Fanconi anemia complementation group J. Last evaluated: 2023-12-10. Review status: criteria provided, single submitter. Criteria: Invitae Variant Classification Sherloc (09022015). Collection method: clinical testing. Allele origin: germline.

Ambry Genetics
Classification: Likely benign for Hereditary cancer-predisposing syndrome. Last evaluated: 2023-04-13. Review status: criteria provided, single submitter. Criteria: Ambry Variant Classification Scheme 2023. Collection method: clinical testing. Allele origin: germline.